The following is an entry in ClinVar:

ClinVar aggregate classification (germline): Benign/Likely benign. Review status: criteria provided, multiple submitters, no conflicts (2 of 4 stars). 5 submissions from 5 submitters: Benign (1); Likely benign (4). Last evaluated 2026-07-17.

Conditions:
KIT-related disorder. Also called: KIT-related condition.
Hereditary cancer-predisposing syndrome. Also called: Hereditary Cancer Syndrome; Tumor predisposition; Hereditary neoplastic syndrome; Neoplastic Syndromes, Hereditary. Identifiers: Orphanet 140162, MedGen C0027672, MeSH D009386, MONDO:0015356.
Gastrointestinal stromal tumor. Also called: Gastrointestinal stroma tumor; Gastrointestinal stromal tumor, somatic. Identifiers: Orphanet 44890, MedGen C0238198, MeSH D046152, MONDO:0011719, OMIM 606764, HP:0100723.

Allele frequency attached by ClinVar (database versions not stated): gnomAD exomes 0.00001; TOPMed 0.00001; gnomAD 0.00002.
gnomAD v4.1: 24 of 1,614,054 alleles (0.0015%); highest among the groups gnomAD compares: Non-Finnish European, 0.0019%; no homozygotes.

Submissions (5):

PreventionGenetics, part of Exact Sciences
Classification: Likely benign for KIT-related condition. Last evaluated: 2026-07-17. Review status: criteria provided, single submitter. Criteria: ACMG Guidelines, 2015. Collection method: clinical testing. Allele origin: germline.
Comment: This variant is classified as likely benign based on ACMG/AMP sequence variant interpretation guidelines (Richards et al. 2015 PMID: 25741868, with internal and published modifications).

Myriad Genetics, Inc.
Classification: Benign for Gastrointestinal stromal tumor. Last evaluated: 2026-06-02. Review status: criteria provided, single submitter. Criteria: Myriad Autosomal Dominant, Autosomal Recessive and X-Linked Classification Criteria (2023). Collection method: clinical testing. Allele origin: unknown.
Comment: This variant is considered benign. This variant is a silent/synonymous amino acid change and it is not expected to impact splicing.

Labcorp Genetics (formerly Invitae), Labcorp
Classification: Likely benign for Gastrointestinal stromal tumor. Last evaluated: 2026-01-27. Review status: criteria provided, single submitter. Criteria: Invitae Variant Classification Sherloc (09022015). Collection method: clinical testing. Allele origin: germline.

Mayo Clinic Laboratories, Mayo Clinic
Classification: Likely benign. Last evaluated: 2025-11-22. Review status: criteria provided, single submitter. Criteria: ACMG Guidelines, 2015. Collection method: clinical testing. Allele origin: germline. Observed: 1 variant allele.
Comment: BP4, BP7

Ambry Genetics
Classification: Likely benign for Hereditary cancer-predisposing syndrome. Last evaluated: 2022-04-04. Review status: criteria provided, single submitter. Criteria: Ambry Variant Classification Scheme 2023. Collection method: clinical testing. Allele origin: germline.

NM_000222.3(KIT):c.588G>T (p.Leu196=)

Gene: KIT (KIT proto-oncogene, receptor tyrosine kinase; plus strand). Cytogenetic location: 4q12.
Variant type: single nucleotide variant.
Coding change: c.588G>T on transcript NM_000222.3 (MANE Select); coding-DNA position 588, G replaced by T.
Protein change: p.Leu196=; no amino-acid change (leucine 196 retained).
Molecular consequence: synonymous variant.
Genome position (GRCh38, 1-based): chr4:54,698,534, G>T. VCF-style: chr4-54698534-G-T. GRCh37 (hg19) VCF-style: chr4-55564700-G-T.
Other names: p.Leu196=; c.588G>T, p.Leu196= (NM_001093772.2, NM_001385284.1, NM_001385285.1 and 4 more transcripts).
Identifiers: ClinVar variation 415773 (VCV000415773.17), dbSNP rs1060504650, ClinGen allele CA16611586.